The following is an entry in ClinVar:

NM_001257.5(CDH13):c.1116C>T (p.Val372=)

Gene: CDH13 (cadherin 13; plus strand). Cytogenetic location: 16q23.3.
Variant type: single nucleotide variant.
Coding change: c.1116C>T on transcript NM_001257.5 (MANE Select); coding-DNA position 1116, C replaced by T.
Protein change: p.Val372=; no amino-acid change (valine 372 retained).
Molecular consequence: synonymous variant.
Genome position (GRCh38, 1-based): chr16:83,670,804, C>T. VCF-style: chr16-83670804-C-T. GRCh37 (hg19) VCF-style: chr16-83704409-C-T.
Other names: c.1257C>T, p.Val419= (NM_001220488.2); c.999C>T, p.Val333= (NM_001220489.2); c.354C>T, p.Val118= (NM_001220490.2).
Identifiers: ClinVar variation 3050077 (VCV003050077.2), dbSNP rs777252024, ClinGen allele CA8196654.
Genomic context (GRCh38, chr16:83,670,804, plus strand): 5'-TATGTGTTTTCAAAATAGTGACCATTACCATCTGCTTTGTTTGCAGTTTCAAGCCACAGT[C>T]GAGGAAGGAGCTGTGGGAGTTATTGTCAATTTGACAGTTGAAGATAAGGATGACCCCACC-3'
Protein context (NP_001248.1, residues 362-382): KFTKKEFQAT[Val372=]EEGAVGVIVN

ClinVar aggregate classification (germline): Likely benign (0 of 4 stars; one submission).

Conditions:
CDH13-related disorder. Also called: CDH13-related condition.

Allele frequency attached by ClinVar (database versions not stated): TOPMed 0.00005; gnomAD 0.00007; gnomAD exomes 0.00008; ExAC 0.00011.
gnomAD v4.1: 130 of 1,613,704 alleles (0.0081%); highest among the groups gnomAD compares: East Asian, 0.013%; no homozygotes.

Submission:

PreventionGenetics, part of Exact Sciences
Classification: Likely benign for CDH13-related condition. Last evaluated: 2019-07-22. Review status: no assertion criteria provided. Collection method: clinical testing. Allele origin: germline.
Comment: This variant is classified as likely benign based on ACMG/AMP sequence variant interpretation guidelines (Richards et al. 2015 PMID: 25741868, with internal and published modifications).